The following is an entry in ClinVar:

ClinVar aggregate classification (germline): Uncertain significance (1 of 4 stars; one submission).

Allele frequency attached by ClinVar (database versions not stated): gnomAD exomes below 0.00001.
gnomAD v4.1: 1 of 1,550,660 alleles (0.000064%); highest among the groups gnomAD compares: Non-Finnish European, 0.000087%; no homozygotes.

Submission:

Labcorp Genetics (formerly Invitae), Labcorp
Classification: Uncertain significance. Last evaluated: 2022-11-03. Review status: criteria provided, single submitter. Criteria: Invitae Variant Classification Sherloc (09022015). Collection method: clinical testing. Allele origin: germline.
Comment: This sequence change falls in intron 1 of the NR2E3 gene. It does not directly change the encoded amino acid sequence of the NR2E3 protein. This variant is not present in population databases (gnomAD no frequency). This variant has not been reported in the literature in individuals affected with NR2E3-related conditions. Algorithms developed to predict the effect of sequence changes on RNA splicing suggest that this variant may disrupt the consensus splice site. In summary, the available evidence is currently insufficient to determine the role of this variant in disease. Therefore, it has been classified as a Variant of Uncertain Significance.

NM_014249.4(NR2E3):c.119-10T>G

Gene: NR2E3 (nuclear receptor subfamily 2 group E member 3; plus strand). Cytogenetic location: 15q23.
Variant type: single nucleotide variant.
Coding change: c.119-10T>G on transcript NM_014249.4 (MANE Select); 10 bases into the intron before coding-DNA position 119, T replaced by G.
Molecular consequence: intron variant.
Genome position (GRCh38, 1-based): chr15:71,811,473, T>G. VCF-style: chr15-71811473-T-G. GRCh37 (hg19) VCF-style: chr15-72103813-T-G.
Other names: c.119-10T>G (NM_016346.4).
Identifiers: ClinVar variation 2811867 (VCV002811867.3), dbSNP rs2054179057, ClinGen allele CA2629291535.